The following is an entry in ClinVar:

ClinVar aggregate classification (germline): Pathogenic (1 of 4 stars; one submission).

Conditions:
Autosomal recessive nonsyndromic hearing loss 9. Also called: NEUROSENSORY NONSYNDROMIC RECESSIVE DEAFNESS 9; OTOF-Related Hearing Loss; Deafness, autosomal recessive 9; AUDITORY NEUROPATHY, AUTOSOMAL RECESSIVE, 1, TEMPERATURE-SENSITIVE. Identifiers: Orphanet 90636, MedGen C1832828, MONDO:0010986, OMIM 601071.

Submission:

Institute of Rare Diseases, West China Hospital, Sichuan University
Classification: Pathogenic for Autosomal recessive nonsyndromic hearing loss 9. Last evaluated: 2025-01-09. Review status: criteria provided, single submitter. Criteria: ClinGen HL ACMG Specifications v1. Collection method: research. Allele origin: germline. Affected: yes.
Comment: PVS1;PM3;PM2_Supporting

NM_194248.3(OTOF):c.568del (p.Glu190fs)

Genes: OTOF (otoferlin; minus strand), LOC129933336 (ATAC-STARR-seq lymphoblastoid silent region 11274; plus strand). Cytogenetic location: 2p23.3.
Variant type: Deletion.
Coding change: c.568del on transcript NM_194248.3 (MANE Select); coding-DNA position 568, one base deleted (G; older notation c.568delG).
Protein change: p.Glu190fs; shifts the reading frame from glutamic acid 190.
Molecular consequence: frameshift variant.
Genome position (GRCh38, 1-based): chr2:26,503,787, C deleted on the plus strand (G on the coding strand, the reverse complement: OTOF is on the minus strand); the first of 2 consecutive C bases (chr2:26,503,787-26,503,788); deleting either gives the same sequence. VCF-style (leftmost placement, unchanged base first): chr2-26503786-TC-T. GRCh37 (hg19) VCF-style: chr2-26726654-TC-T.
Other names: c.568del, p.Glu190fs (NM_001287489.2); short protein forms E190fs.
Identifiers: ClinVar variation 3601557 (VCV003601557.1).